The following is an entry in ClinVar:

NM_001378454.1(ALMS1):c.10375A>C (p.Asn3459His)

Gene: ALMS1 (ALMS1 centrosome and basal body associated protein; plus strand). Cytogenetic location: 2p13.1.
Variant type: single nucleotide variant.
Coding change: c.10375A>C on transcript NM_001378454.1 (MANE Select); coding-DNA position 10375, A replaced by C.
Protein change: p.Asn3459His; replaces asparagine 3459 with histidine.
Molecular consequence: missense variant.
Genome position (GRCh38, 1-based): chr2:73,559,133, A>C. VCF-style: chr2-73559133-A-C. GRCh37 (hg19) VCF-style: chr2-73786260-A-C.
Other names: c.10378A>C, p.Asn3460His (NM_015120.4); short protein forms N3460H, N3459H.
Identifiers: ClinVar variation 1772801 (VCV001772801.4), dbSNP rs773439063, ClinGen allele CA1714974.

ClinVar aggregate classification (germline): Uncertain significance. Review status: criteria provided, multiple submitters, no conflicts (2 of 4 stars). 2 submissions from 2 submitters: Uncertain significance (2). Last evaluated 2022-07-02.

Conditions:
Alstrom syndrome (ALMS). Identifiers: Orphanet 64, MedGen C0268425, MONDO:0008763, OMIM 203800.
Cardiovascular phenotype. Identifiers: MedGen CN230736.

Allele frequency attached by ClinVar (database versions not stated): gnomAD exomes below 0.00001; ExAC 0.00001; gnomAD 0.00001.
gnomAD v4.1: 3 of 1,613,340 alleles (0.00019%); highest among the groups gnomAD compares: Non-Finnish European, 0.00025%; no homozygotes.

Submissions (2):

Labcorp Genetics (formerly Invitae), Labcorp
Classification: Uncertain significance for Alstrom syndrome. Last evaluated: 2022-07-02. Review status: criteria provided, single submitter. Criteria: Invitae Variant Classification Sherloc (09022015). Collection method: clinical testing. Allele origin: germline.
Comment: This sequence change replaces asparagine, which is neutral and polar, with histidine, which is basic and polar, at codon 3460 of the ALMS1 protein (p.Asn3460His). This variant is present in population databases (rs773439063, gnomAD 0.0009%). This variant has not been reported in the literature in individuals affected with ALMS1-related conditions. Experimental studies and prediction algorithms are not available or were not evaluated, and the functional significance of this variant is currently unknown. In summary, the available evidence is currently insufficient to determine the role of this variant in disease. Therefore, it has been classified as a Variant of Uncertain Significance.

Ambry Genetics
Classification: Uncertain significance for Cardiovascular phenotype. Last evaluated: 2021-02-23. Review status: criteria provided, single submitter. Criteria: Ambry Variant Classification Scheme 2023. Collection method: clinical testing. Allele origin: germline.
Comment: The p.N3460H variant (also known as c.10378A>C), located in coding exon 15 of the ALMS1 gene, results from an A to C substitution at nucleotide position 10378. The asparagine at codon 3460 is replaced by histidine, an amino acid with similar properties. This amino acid position is poorly conserved in available vertebrate species. In addition, this alteration is predicted to be tolerated by in silico analysis. Since supporting evidence is limited at this time, the clinical significance of this alteration remains unclear.